The following is an entry in ClinVar:

NM_024649.5(BBS1):c.213C>T (p.Leu71=)

Gene: BBS1 (Bardet-Biedl syndrome 1; plus strand). Cytogenetic location: 11q13.2.
Variant type: single nucleotide variant.
Coding change: c.213C>T on transcript NM_024649.5 (MANE Select); coding-DNA position 213, C replaced by T.
Protein change: p.Leu71=; no amino-acid change (leucine 71 retained).
Molecular consequence: synonymous variant.
Genome position (GRCh38, 1-based): chr11:66,514,459, C>T. VCF-style: chr11-66514459-C-T. GRCh37 (hg19) VCF-style: chr11-66281930-C-T.
Identifiers: ClinVar variation 3348346 (VCV003348346.1).

ClinVar aggregate classification (germline): Likely benign (0 of 4 stars; one submission).

Conditions:
BBS1-related disorder. Also called: BBS1-related condition.

Submission:

PreventionGenetics, part of Exact Sciences
Classification: Likely benign for BBS1-related condition. Last evaluated: 2024-01-19. Review status: no assertion criteria provided. Collection method: clinical testing. Allele origin: germline.
Comment: This variant is classified as likely benign based on ACMG/AMP sequence variant interpretation guidelines (Richards et al. 2015 PMID: 25741868, with internal and published modifications).